The following is an entry in ClinVar:

ClinVar aggregate classification (germline): Pathogenic (1 of 4 stars; one submission).

Conditions:
Cardiovascular phenotype. Identifiers: MedGen CN230736.

Submission:

Ambry Genetics
Classification: Pathogenic for Cardiovascular phenotype. Last evaluated: 2019-12-16. Review status: criteria provided, single submitter. Criteria: Ambry Variant Classification Scheme 2023. Collection method: clinical testing. Allele origin: germline.
Comment: The c.3369_3370insA pathogenic mutation, located in coding exon 31 of the MYBPC3 gene, results from an insertion of one nucleotide at position 3369, causing a translational frameshift with a predicted alternate stop codon (p.C1124Mfs*25). This alteration is expected to result in loss of function by premature protein truncation or nonsense-mediated mRNA decay. As such, this alteration is interpreted as a disease-causing mutation.

NM_000256.3(MYBPC3):c.3369_3370insA (p.Cys1124fs)

Gene: MYBPC3 (myosin binding protein C3; minus strand). Cytogenetic location: 11p11.2.
Variant type: Insertion.
Coding change: c.3369_3370insA on transcript NM_000256.3 (MANE Select); coding-DNA positions 3369 to 3370, A inserted.
Protein change: p.Cys1124fs; shifts the reading frame from cysteine 1124.
Molecular consequence: frameshift variant.
Genome position: GRCh38 VCF-style: chr11-47332934-A-AT. GRCh37 (hg19) VCF-style: chr11-47354485-A-AT.
Other names: short protein forms C1124fs.
Identifiers: ClinVar variation 1730682 (VCV001730682.2), dbSNP rs2495738849, ClinGen allele CA2580084219.
Genomic context (GRCh38, chr11:47,332,934, plus strand): 5'-TATTCTGGCTGAAGACGCGGAAGTAGTAGCCATTGCCAATGATGAGCTCTGGCACCACGC[A>AT]GTGGGTGCGGCGGTAATGCTCCAAGACGGTGAACCACTCCTGGGGGCAGGGAGGGAGGGG-3'